The following is an entry in ClinVar:

NM_006767.4(LZTR1):c.1663C>G (p.Leu555Val)

Gene: LZTR1 (leucine zipper like post translational regulator 1; plus strand). Cytogenetic location: 22q11.21.
Variant type: single nucleotide variant.
Coding change: c.1663C>G on transcript NM_006767.4 (MANE Select); coding-DNA position 1663, C replaced by G.
Protein change: p.Leu555Val; replaces leucine 555 with valine.
Molecular consequence: missense variant.
Genome position (GRCh38, 1-based): chr22:20,994,605, C>G. VCF-style: chr22-20994605-C-G. GRCh37 (hg19) VCF-style: chr22-21348894-C-G.
Other names: short protein forms L555V.
Identifiers: ClinVar variation 1352363 (VCV001352363.11), dbSNP rs956463805, ClinGen allele CA322269718.
Genomic context (GRCh38, chr22:20,994,605, plus strand): 5'-CTCTGGGGCGCAGGCCATGTGGAGGATGTGCTGCTCATCATGGATGTGTACAAACTGGCA[C>G]TGAGCTTCCAGTTGTGCCGCCTGGAGCAGCTGTGCCGCCAGTACATCGAGGCCTCCGTGG-3'
Protein context (NP_006758.2, residues 545-565): LLIMDVYKLA[Leu555Val]SFQLCRLEQL

ClinVar aggregate classification (germline): Uncertain significance. Review status: criteria provided, multiple submitters, no conflicts (2 of 4 stars). 4 submissions from 4 submitters: Uncertain significance (4). Last evaluated 2025-11-12.

Conditions:
Hereditary cancer-predisposing syndrome. Also called: Neoplastic Syndromes, Hereditary; Tumor predisposition; Hereditary neoplastic syndrome; Hereditary Cancer Syndrome. Identifiers: Orphanet 140162, MedGen C0027672, MeSH D009386, MONDO:0015356.
Cardiovascular phenotype. Identifiers: MedGen CN230736.
LZTR1-related schwannomatosis. Also called: Schwannomatosis-2, susceptibility to; Schwannomatosis 2. Identifiers: Orphanet 93921, MedGen C3810283, MONDO:0014299, OMIM 615670.

gnomAD v4.1: 2 of 1,612,598 alleles (0.00012%); highest among the groups gnomAD compares: Admixed American, 0.0017%; no homozygotes.

Submissions (4):

Women's Health and Genetics/Laboratory Corporation of America, LabCorp
Classification: Uncertain significance. Last evaluated: 2025-11-12. Review status: criteria provided, single submitter. Criteria: LabCorp Variant Classification Summary - May 2015. Collection method: clinical testing. Allele origin: germline.
Comment: Variant summary: LZTR1 c.1663C>G (p.Leu555Val) results in a conservative amino acid change in the encoded protein sequence. Algorithms developed to predict the effect of missense changes on protein structure and function are either unavailable or do not agree on the potential impact of this missense change. The variant was absent in 250138 control chromosomes. The available data on variant occurrences in the general population are insufficient to allow any conclusion about variant significance. To our knowledge, no occurrence of c.1663C>G in individuals affected with LZTR1-related conditions and no experimental evidence demonstrating its impact on protein function have been reported. ClinVar contains an entry for this variant (Variation ID: 1352363). Based on the evidence outlined above, the variant was classified as uncertain significance.

Labcorp Genetics (formerly Invitae), Labcorp
Classification: Uncertain significance. Last evaluated: 2024-11-11. Review status: criteria provided, single submitter. Criteria: Invitae Variant Classification Sherloc (09022015). Collection method: clinical testing. Allele origin: germline.
Comment: This sequence change replaces leucine, which is neutral and non-polar, with valine, which is neutral and non-polar, at codon 555 of the LZTR1 protein (p.Leu555Val). This variant is not present in population databases (gnomAD no frequency). This variant has not been reported in the literature in individuals affected with LZTR1-related conditions. ClinVar contains an entry for this variant (Variation ID: 1352363). Invitae Evidence Modeling of protein sequence and biophysical properties (such as structural, functional, and spatial information, amino acid conservation, physicochemical variation, residue mobility, and thermodynamic stability) indicates that this missense variant is not expected to disrupt LZTR1 protein function with a negative predictive value of 80%. Algorithms developed to predict the effect of sequence changes on RNA splicing suggest that this variant may create or strengthen a splice site. In summary, the available evidence is currently insufficient to determine the role of this variant in disease. Therefore, it has been classified as a Variant of Uncertain Significance.

Baylor Genetics
Classification: Uncertain significance for LZTR1-related schwannomatosis. Last evaluated: 2023-08-28. Review status: criteria provided, single submitter. Criteria: ACMG Guidelines, 2015. Collection method: clinical testing. Allele origin: unknown.

Ambry Genetics
Classification: Uncertain significance for Cardiovascular phenotype; Hereditary cancer-predisposing syndrome. Last evaluated: 2022-07-21. Review status: criteria provided, single submitter. Criteria: Ambry Variant Classification Scheme 2023. Collection method: clinical testing. Allele origin: germline.
Comment: The p.L555V variant (also known as c.1663C>G), located in coding exon 15 of the LZTR1 gene, results from a C to G substitution at nucleotide position 1663. The leucine at codon 555 is replaced by valine, an amino acid with highly similar properties. This nucleotide position is well conserved in available vertebrate species. In silico splice site analysis predicts that this alteration will result in the creation or strengthening of a novel splice acceptor site. RNA studies have demonstrated that this alteration results in a transcript predicted to lead to a protein with an in-frame deletion of 17 amino acid(s) with an accompanying single amino acid insertion; however, the exact functional impact of the altered amino acid(s) is unknown at this time (Ambry internal data). Since supporting evidence is limited at this time, the clinical significance of this alteration remains unclear.